The following is an entry in ClinVar:

ClinVar aggregate classification (germline): Uncertain significance (1 of 4 stars; one submission).

Submission:

Ambry Genetics
Classification: Uncertain significance. Last evaluated: 2026-05-17. Review status: criteria provided, single submitter. Criteria: Ambry Variant Classification Scheme 2023. Collection method: clinical testing. Allele origin: germline.
Comment: The p.A457S variant (also known as c.1369G>T), located in coding exon 2 of the CDK12 gene, results from a G to T substitution at nucleotide position 1369. The alanine at codon 457 is replaced by serine, an amino acid with similar properties. This amino acid position is conserved. In addition, this alteration is predicted to be tolerated by in silico analysis. Based on the available evidence, the clinical significance of this variant remains unclear.

NM_016507.4(CDK12):c.1369G>T (p.Ala457Ser)

Gene: CDK12 (cyclin dependent kinase 12; plus strand). Cytogenetic location: 17q12.
Variant type: single nucleotide variant.
Coding change: c.1369G>T on transcript NM_016507.4 (MANE Select); coding-DNA position 1369, G replaced by T.
Protein change: p.Ala457Ser; replaces alanine 457 with serine.
Molecular consequence: missense variant.
Genome position (GRCh38, 1-based): chr17:39,471,201, G>T. VCF-style: chr17-39471201-G-T. GRCh37 (hg19) VCF-style: chr17-37627454-G-T.
Other names: c.1369G>T, p.Ala457Ser (NM_015083.4); short protein forms A457S.
Identifiers: ClinVar variation 4868543 (VCV004868543.1).